The following is an entry in ClinVar:

NM_006766.5(KAT6A):c.3569A>C (p.Glu1190Ala)

Gene: KAT6A (lysine acetyltransferase 6A; minus strand). Cytogenetic location: 8p11.21.
Variant type: single nucleotide variant.
Coding change: c.3569A>C on transcript NM_006766.5 (MANE Select); coding-DNA position 3569, A replaced by C.
Protein change: p.Glu1190Ala; replaces glutamic acid 1190 with alanine.
Molecular consequence: missense variant.
Genome position (GRCh38, 1-based): chr8:41,934,651, T>G on the plus strand (A>C on the coding strand, the complement: KAT6A is on the minus strand). VCF-style: chr8-41934651-T-G. GRCh37 (hg19) VCF-style: chr8-41792169-T-G.
Other names: short protein forms E1190A.
Identifiers: ClinVar variation 2011543 (VCV002011543.4), dbSNP rs1821760075, ClinGen allele CA371068865.
Genomic context (GRCh38, chr8:41,934,651, plus strand): 5'-GTTTCTTCACTCTCCTGGATCTTGGGTTTACGTCCAGCTTTAGGAATGGAAACGATGGGC[T>G]CAATGACGCATGCTTGAGTAGAAACTGGCATGATTTCCCGACTCAACTTAAATCCTGGTT-3'
Protein context (NP_006757.2, residues 1180-1200): MPVSTQACVI[Glu1190Ala]PIVSIPKAGR

ClinVar aggregate classification (germline): Uncertain significance (1 of 4 stars; one submission).

Submission:

Labcorp Genetics (formerly Invitae), Labcorp
Classification: Uncertain significance. Last evaluated: 2023-10-13. Review status: criteria provided, single submitter. Criteria: Invitae Variant Classification Sherloc (09022015). Collection method: clinical testing. Allele origin: germline.
Comment: This sequence change replaces glutamic acid, which is acidic and polar, with alanine, which is neutral and non-polar, at codon 1190 of the KAT6A protein (p.Glu1190Ala). This variant is not present in population databases (gnomAD no frequency). This variant has not been reported in the literature in individuals affected with KAT6A-related conditions. ClinVar contains an entry for this variant (Variation ID: 2011543). Advanced modeling of protein sequence and biophysical properties (such as structural, functional, and spatial information, amino acid conservation, physicochemical variation, residue mobility, and thermodynamic stability) performed at Invitae indicates that this missense variant is not expected to disrupt KAT6A protein function. In summary, the available evidence is currently insufficient to determine the role of this variant in disease. Therefore, it has been classified as a Variant of Uncertain Significance.